The following is an entry in ClinVar:

NM_000377.3(WAS):c.11G>A (p.Gly4Asp)

Gene: WAS (WASP actin nucleation promoting factor; plus strand). Cytogenetic location: Xp11.23.
Variant type: single nucleotide variant.
Coding change: c.11G>A on transcript NM_000377.3 (MANE Select); coding-DNA position 11, G replaced by A.
Protein change: p.Gly4Asp; replaces glycine 4 with aspartic acid.
Molecular consequence: missense variant.
Genome position (GRCh38, 1-based): chrX:48,683,864, G>A. VCF-style: chrX-48683864-G-A. GRCh37 (hg19) VCF-style: chrX-48542253-G-A.
Other names: c.11G>A, p.Gly4Asp (NM_001438876.1, NM_001438877.1, NM_001438878.1 and 1 more transcripts); short protein forms G4D.
Identifiers: ClinVar variation 4891128 (VCV004891128.1).

ClinVar aggregate classification (germline): Uncertain significance (1 of 4 stars; one submission).

Submission:

Greenwood Genetic Center Diagnostic Laboratories, Greenwood Genetic Center
Classification: Uncertain significance. Last evaluated: 2026-06-03. Review status: criteria provided, single submitter. Criteria: ACMG Guidelines, 2015. Collection method: clinical testing. Allele origin: germline.
Comment: PM1_Supporting, PM2